The following is an entry in ClinVar:

NM_002294.3(LAMP2):c.823A>G (p.Asn275Asp)

Gene: LAMP2 (lysosome associated membrane protein 2; minus strand). Cytogenetic location: Xq24.
Variant type: single nucleotide variant.
Coding change: c.823A>G on transcript NM_002294.3 (MANE Select); coding-DNA position 823, A replaced by G.
Protein change: p.Asn275Asp; replaces asparagine 275 with aspartic acid.
Molecular consequence: missense variant.
Genome position (GRCh38, 1-based): chrX:120,446,346, T>C on the plus strand (A>G on the coding strand, the complement: LAMP2 is on the minus strand). VCF-style: chrX-120446346-T-C. GRCh37 (hg19) VCF-style: chrX-119580201-T-C.
Other names: c.823A>G, p.Asn275Asp (NM_001122606.1, NM_013995.2); short protein forms N275D.
Identifiers: ClinVar variation 3605725 (VCV003605725.2).

ClinVar aggregate classification (germline): Uncertain significance (1 of 4 stars; one submission).

Conditions:
Danon disease. Also called: GSD IIb; LYSOSOMAL GLYCOGEN STORAGE DISEASE WITHOUT ACID MALTASE DEFICIENCY; ANTOPOL DISEASE; Glycogen Storage Disease Type IIb; PSEUDOGLYCOGENOSIS II. Identifiers: Orphanet 34587, MedGen C0878677, MONDO:0010281, OMIM 300257.

Submission:

Labcorp Genetics (formerly Invitae), Labcorp
Classification: Uncertain significance for Danon disease. Last evaluated: 2024-10-02. Review status: criteria provided, single submitter. Criteria: Invitae Variant Classification Sherloc (09022015). Collection method: clinical testing. Allele origin: germline.
Comment: This sequence change replaces asparagine, which is neutral and polar, with aspartic acid, which is acidic and polar, at codon 275 of the LAMP2 protein (p.Asn275Asp). This variant is not present in population databases (gnomAD no frequency). This variant has not been reported in the literature in individuals affected with LAMP2-related conditions. Invitae Evidence Modeling of protein sequence and biophysical properties (such as structural, functional, and spatial information, amino acid conservation, physicochemical variation, residue mobility, and thermodynamic stability) indicates that this missense variant is expected to disrupt LAMP2 protein function with a positive predictive value of 80%. In summary, the available evidence is currently insufficient to determine the role of this variant in disease. Therefore, it has been classified as a Variant of Uncertain Significance.